The following is an entry in ClinVar:

ClinVar aggregate classification (germline): Uncertain significance (1 of 4 stars; one submission).

Conditions:
Ataxia-telangiectasia syndrome (AT). Also called: Cerebello-oculocutaneous telangiectasia; ATAXIA-TELANGIECTASIA, COMPLEMENTATION GROUP A; ATAXIA-TELANGIECTASIA, FRESNO VARIANT; Ataxia-telangiectasia, complementation group D; AT, COMPLEMENTATION GROUP C; Immunodeficiency with ataxia telangiectasia. Identifiers: Orphanet 100, MedGen C0004135, MONDO:0008840, OMIM 208900.

Allele frequency attached by ClinVar (database versions not stated): gnomAD 0.00001.
gnomAD v4.1: 1 of 1,611,422 alleles (0.000062%); highest among the groups gnomAD compares: African/African-American, 0.0013%; no homozygotes.

Submission:

Labcorp Genetics (formerly Invitae), Labcorp
Classification: Uncertain significance for Ataxia-telangiectasia syndrome. Last evaluated: 2022-08-06. Review status: criteria provided, single submitter. Criteria: Invitae Variant Classification Sherloc (09022015). Collection method: clinical testing. Allele origin: germline.
Comment: This variant is present in population databases (no rsID available, gnomAD 0.01%). In summary, the available evidence is currently insufficient to determine the role of this variant in disease. Therefore, it has been classified as a Variant of Uncertain Significance. Advanced modeling of protein sequence and biophysical properties (such as structural, functional, and spatial information, amino acid conservation, physicochemical variation, residue mobility, and thermodynamic stability) performed at Invitae indicates that this missense variant is not expected to disrupt ATM protein function. This variant has not been reported in the literature in individuals affected with ATM-related conditions. This sequence change replaces glutamic acid, which is acidic and polar, with glycine, which is neutral and non-polar, at codon 737 of the ATM protein (p.Glu737Gly).

NM_000051.4(ATM):c.2210A>G (p.Glu737Gly)

Gene: ATM (ATM serine/threonine kinase; plus strand). Cytogenetic location: 11q22.3.
Variant type: single nucleotide variant.
Coding change: c.2210A>G on transcript NM_000051.4 (MANE Select); coding-DNA position 2210, A replaced by G.
Protein change: p.Glu737Gly; replaces glutamic acid 737 with glycine.
Molecular consequence: missense variant.
Genome position (GRCh38, 1-based): chr11:108,256,300, A>G. VCF-style: chr11-108256300-A-G. GRCh37 (hg19) VCF-style: chr11-108127027-A-G.
Other names: c.2210A>G, p.Glu737Gly (NM_001351834.2); short protein forms E737G.
Identifiers: ClinVar variation 1715287 (VCV001715287.5), dbSNP rs1348606067, ClinGen allele CA382539045.